The following is an entry in ClinVar:

NM_198586.3(NHLRC1):c.593T>A (p.Ile198Asn)

Gene: NHLRC1 (NHL repeat containing E3 ubiquitin protein ligase 1; minus strand). Cytogenetic location: 6p22.3.
Variant type: single nucleotide variant.
Coding change: c.593T>A on transcript NM_198586.3 (MANE Select); coding-DNA position 593, T replaced by A.
Protein change: p.Ile198Asn; replaces isoleucine 198 with asparagine.
Molecular consequence: missense variant.
Genome position (GRCh38, 1-based): chr6:18,122,014, A>T on the plus strand (T>A on the coding strand, the complement: NHLRC1 is on the minus strand). VCF-style: chr6-18122014-A-T. GRCh37 (hg19) VCF-style: chr6-18122245-A-T.
Other names: short protein forms I198N.
Identifiers: ClinVar variation 2591 (VCV000002591.20), dbSNP rs121917876, ClinGen allele CA115635.

ClinVar aggregate classification (germline): Likely pathogenic. Review status: criteria provided, single submitter (1 of 4 stars). 3 submissions from 3 submitters: Likely pathogenic (1). 2 of the submissions do not count toward it. Last evaluated 2019-10-10.

Conditions:
Lafora disease. Also called: Epilepsy progressive myoclonic 2; Progressive Myoclonus Epilepsy, Lafora Type. Identifiers: Orphanet 501, MedGen C0751783, MONDO:0009697.
Myoclonic epilepsy of Lafora 2. Also called: LAFORA DISEASE 2; Epilepsy, progressive myoclonic 2B (Lafora); EPILEPSY, PROGRESSIVE MYOCLONIC, 2B; NHLRC1-Related Lafora Disease. Identifiers: MedGen C1850764, MONDO:0800306, OMIM 620681.

Submissions (3):

Genetic Services Laboratory, University of Chicago
Classification: Likely pathogenic. Last evaluated: 2019-10-10. Review status: criteria provided, single submitter. Criteria: ACMG Guidelines, 2015. Collection method: clinical testing. Allele origin: germline. Affected: yes.
Comment: DNA sequence analysis of the NHLRC1 gene demonstrated a sequence change, c.593T>A, in exon 1 that results in an amino acid change, p.Ile198Asn. This sequence change has been previously described in two symptomatic family members diagnosed with Lafora disease (PMID: 15781812). This sequence change is absent from the population databases (ExAC and gnomAD). The p.Arg22Gln change affects a moderately conserved amino acid residue located in a domain of the CEP104 protein that is known to be functional. The p.Arg22Gln substitution appears to be deleterious using several in-silico pathogenicity prediction tools (SIFT, PolyPhen2, Align GVGD, REVEL). These collective evidences indicate that this sequence change is likely pathogenic; however functional studies have not been performed to prove this conclusively.

OMIM
Classification: Pathogenic for MYOCLONIC EPILEPSY OF LAFORA 2. Last evaluated: 2005-03-22. Review status: no assertion criteria provided. Collection method: literature only. Allele origin: germline. Not counted in ClinVar's aggregate classification.

GeneReviews
No classification provided. Condition: Lafora disease. Review status: no classification provided. Collection method: literature only. Allele origin: germline. Not counted in ClinVar's aggregate classification.

Literature cited by the submitters: PubMed 15781812 (cited by OMIM); NCBI Bookshelf NBK1389 (cited by GeneReviews).